The following is an entry in ClinVar:

ClinVar aggregate classification (germline): Uncertain significance. Review status: criteria provided, multiple submitters, no conflicts (2 of 4 stars). 2 submissions from 2 submitters: Uncertain significance (2). Last evaluated 2025-05-01.

Submissions (2):

CeGaT Center for Human Genetics Tuebingen
Classification: Uncertain significance. Last evaluated: 2025-05-01. Review status: criteria provided, single submitter. Criteria: CeGaT Center For Human Genetics Tuebingen Variant Classification Criteria Version 2. Collection method: clinical testing. Allele origin: germline. Affected: yes. Observed: 2 variant alleles.
Comment: SPEN: PM2, BP4

Labcorp Genetics (formerly Invitae), Labcorp
Classification: Uncertain significance. Last evaluated: 2023-11-24. Review status: criteria provided, single submitter. Criteria: Invitae Variant Classification Sherloc (09022015). Collection method: clinical testing. Allele origin: germline.
Comment: This sequence change replaces lysine, which is basic and polar, with glutamic acid, which is acidic and polar, at codon 889 of the SPEN protein (p.Lys889Glu). This variant is not present in population databases (gnomAD no frequency). This variant has not been reported in the literature in individuals affected with SPEN-related conditions. An algorithm developed to predict the effect of missense changes on protein structure and function (PolyPhen-2) suggests that this variant is likely to be disruptive. In summary, the available evidence is currently insufficient to determine the role of this variant in disease. Therefore, it has been classified as a Variant of Uncertain Significance.

NM_015001.3(SPEN):c.2665A>G (p.Lys889Glu)

Gene: SPEN (spen family transcriptional repressor; plus strand). Cytogenetic location: 1p36.13.
Variant type: single nucleotide variant.
Coding change: c.2665A>G on transcript NM_015001.3 (MANE Select); coding-DNA position 2665, A replaced by G.
Protein change: p.Lys889Glu; replaces lysine 889 with glutamic acid.
Molecular consequence: missense variant.
Genome position (GRCh38, 1-based): chr1:15,928,905, A>G. VCF-style: chr1-15928905-A-G. GRCh37 (hg19) VCF-style: chr1-16255400-A-G.
Other names: short protein forms K889E.
Identifiers: ClinVar variation 2698364 (VCV002698364.17), dbSNP rs2523075251, ClinGen allele CA338602454.